The following is an entry in ClinVar:

NM_003718.5(CDK13):c.1657A>G (p.Ile553Val)

Gene: CDK13 (cyclin dependent kinase 13; plus strand). Cytogenetic location: 7p14.1.
Variant type: single nucleotide variant.
Coding change: c.1657A>G on transcript NM_003718.5 (MANE Select); coding-DNA position 1657, A replaced by G.
Protein change: p.Ile553Val; replaces isoleucine 553 with valine.
Molecular consequence: missense variant.
Genome position (GRCh38, 1-based): chr7:39,988,044, A>G. VCF-style: chr7-39988044-A-G. GRCh37 (hg19) VCF-style: chr7-40027643-A-G.
Other names: c.1657A>G, p.Ile553Val (NM_031267.4); short protein forms I553V.
Identifiers: ClinVar variation 2135503 (VCV002135503.4), dbSNP rs1370702239, ClinGen allele CA367283687.

ClinVar aggregate classification (germline): Likely pathogenic (1 of 4 stars; one submission).

Submission:

Labcorp Genetics (formerly Invitae), Labcorp
Classification: Likely pathogenic. Last evaluated: 2022-07-29. Review status: criteria provided, single submitter. Criteria: Invitae Variant Classification Sherloc (09022015). Collection method: clinical testing. Allele origin: germline.
Comment: This sequence change replaces isoleucine, which is neutral and non-polar, with valine, which is neutral and non-polar, at codon 553 of the CDK13 protein (p.Ile553Val). This variant is not present in population databases (gnomAD no frequency). This missense change has been observed in individual(s) with clinical features of CDK13-related conditions (Invitae). In at least one individual the variant was observed to be de novo. Advanced modeling of protein sequence and biophysical properties (such as structural, functional, and spatial information, amino acid conservation, physicochemical variation, residue mobility, and thermodynamic stability) performed at Invitae indicates that this missense variant is not expected to disrupt CDK13 protein function. In summary, the currently available evidence indicates that the variant is pathogenic, but additional data are needed to prove that conclusively. Therefore, this variant has been classified as Likely Pathogenic.